The following is an entry in ClinVar:

ClinVar aggregate classification (germline): Conflicting classifications of pathogenicity. Review status: criteria provided, conflicting classifications (1 of 4 stars). 3 submissions from 3 submitters: Uncertain significance (2); Likely benign (1). Last evaluated 2024-11-22.

Conditions:
Von Hippel-Lindau syndrome (VHLS). Also called: VHL syndrome; Von Hippel-Lindau; von Hippel–Lindau syndrome. Identifiers: Orphanet 892, MedGen C0019562, MONDO:0008667, OMIM 193300. Disease mechanism: loss of function.
Chuvash polycythemia. Also called: POLYCYTHEMIA, VHL-DEPENDENT. Identifiers: Orphanet 238557, MedGen C1837915, MONDO:0009892, OMIM 263400.
Hereditary cancer-predisposing syndrome. Also called: Tumor predisposition; Hereditary neoplastic syndrome; Neoplastic Syndromes, Hereditary; Hereditary Cancer Syndrome. Identifiers: Orphanet 140162, MedGen C0027672, MeSH D009386, MONDO:0015356.

gnomAD v4.1: 1 of 1,614,190 alleles (0.000062%); highest among the groups gnomAD compares: South Asian, 0.0011%; no homozygotes.

Submissions (3):

Ambry Genetics
Classification: Likely benign for Hereditary cancer-predisposing syndrome. Last evaluated: 2024-11-22. Review status: criteria provided, single submitter. Criteria: Ambry Variant Classification Scheme 2023. Collection method: clinical testing. Allele origin: germline.

All of Us Research Program, National Institutes of Health
Classification: Uncertain significance for Von Hippel-Lindau syndrome. Last evaluated: 2024-08-06. Review status: criteria provided, single submitter. Criteria: ACMG Guidelines, 2015. Collection method: clinical testing. Allele origin: germline. Inheritance: Autosomal dominant inheritance. Observed: 1 variant allele, 1 heterozygote.
Comment: This study involves interpretation of variants in research participants for the purpose of population health screening. Participant phenotype was not available at the time of variant classification. Additional details can be found in publication PMID: 35346344, PMCID: PMC8962531

Labcorp Genetics (formerly Invitae), Labcorp
Classification: Uncertain significance for Von Hippel-Lindau syndrome; Chuvash polycythemia. Last evaluated: 2021-08-13. Review status: criteria provided, single submitter. Criteria: Invitae Variant Classification Sherloc (09022015). Collection method: clinical testing. Allele origin: germline.
Comment: This sequence change replaces arginine with threonine at codon 182 of the VHL protein (p.Arg182Thr). The arginine residue is moderately conserved and there is a moderate physicochemical difference between arginine and threonine. This variant is not present in population databases (ExAC no frequency). This variant has not been reported in the literature in individuals affected with VHL-related conditions. Algorithms developed to predict the effect of missense changes on protein structure and function (SIFT, PolyPhen-2, Align-GVGD) all suggest that this variant is likely to be tolerated. In summary, the available evidence is currently insufficient to determine the role of this variant in disease. Therefore, it has been classified as a Variant of Uncertain Significance.

NM_000551.4(VHL):c.545G>C (p.Arg182Thr)

Genes: VHL (von Hippel-Lindau tumor suppressor; plus strand), LOC107303340 (3p25 von Hippel-Lindau tumor suppressor, E3 ubiquitin protein ligase Alu-mediated recombination region; plus strand). Cytogenetic location: 3p25.3.
Variant type: single nucleotide variant.
Coding change: c.545G>C on transcript NM_000551.4 (MANE Select); coding-DNA position 545, G replaced by C.
Protein change: p.Arg182Thr; replaces arginine 182 with threonine.
Molecular consequence: missense variant. On other transcripts: 3 prime UTR variant (1).
Genome position (GRCh38, 1-based): chr3:10,149,868, G>C. VCF-style: chr3-10149868-G-C. GRCh37 (hg19) VCF-style: chr3-10191552-G-C.
Other names: c.*99G>C (NM_001354723.2); c.422G>C, p.Arg141Thr (NM_198156.3); short protein forms R182T, R141T.
Identifiers: ClinVar variation 936630 (VCV000936630.9), dbSNP rs749774529, ClinGen allele CA351756315.
Genomic context (GRCh38, chr3:10,149,868, plus strand): 5'-GCCTCCAGGTTGTCCGGAGCCTAGTCAAGCCTGAGAATTACAGGAGACTGGACATCGTCA[G>C]GTCGCTCTACGAAGATCTGGAAGACCACCCAAATGTGCAGAAAGACCTGGAGCGGCTGAC-3'
Protein context (NP_000542.1, residues 172-192): PENYRRLDIV[Arg182Thr]SLYEDLEDHP